The following is an entry in ClinVar:

ClinVar aggregate classification (germline): Likely pathogenic. Review status: criteria provided, multiple submitters, no conflicts (2 of 4 stars). 3 submissions from 3 submitters: Likely pathogenic (2). 1 of the submissions does not count toward it. Last evaluated 2023-01-21.

Conditions:
GJA8-related disorders.
Cataract 1 multiple types. Also called: CATARACT, DUFFY-LINKED; CATARACT 1, POSTERIOR SUBCAPSULAR, WITH MICROCORNEA; CATARACT 1, STELLATE NUCLEAR, WITH MICROCORNEA; CATARACT 1, NUCLEAR PROGRESSIVE; CATARACT 1 WITH MICROCORNEA; CATARACT 1, MULTIPLE TYPES, WITH OR WITHOUT MICROCORNEA. Identifiers: Orphanet 1377, MedGen C1861828, MONDO:0007285, OMIM 116200.
Developmental cataract. Also called: Congenital cataract; Bilateral cataracts; Congenital cataracts. Identifiers: MedGen C0009691, HP:0000519.

Submissions (3):

Dept. Genetics and Cancer, Menzies Institute for Medical Research, University of Tasmania
Classification: Likely pathogenic for Cataract 1 multiple types. Last evaluated: 2023-01-21. Review status: criteria provided, single submitter. Criteria: ACMG Guidelines, 2015. Collection method: curation. Allele origin: germline. Affected: yes.
Comment: Variant identified and curated during a GJA8 specific review of the literature in relation to pediatric or congenital cataract. ACMG-AMP criteria applied: PVS1(Strong), PM1(Supporting), PM2(Supporting), PP3. Original variant report: PMID:26694549. Additional phenotype/s reported in these individual/s are: secondary glaucoma. Gene review and curation guidelines are outlined in: DOI 10.1080/17469899.2023.2160320

Blueprint Genetics
Classification: Likely pathogenic for GJA8-related disorders. Last evaluated: 2022-04-01. Review status: criteria provided, single submitter. Criteria: ACMG Guidelines, 2015. Collection method: clinical testing. Allele origin: germline. Affected: yes. Observed: 1 variant allele.

Eye Genetics Research Group, Children's Medical Research Institute
Classification: Pathogenic for Developmental cataract. Last evaluated: 2015-01-09. Review status: no assertion criteria provided. Collection method: research. Allele origin: biparental. Affected: yes. Not counted in ClinVar's aggregate classification.

Literature cited by the submitters: PubMed 26694549 (cited by Dept. Genetics and Cancer, Menzies Institute for Medical Research, University of Tasmania and Eye Genetics Research Group, Children's Medical Research Institute).

NM_005267.5(GJA8):c.89dup (p.Ile31fs)

Gene: GJA8 (gap junction protein alpha 8; plus strand). Cytogenetic location: 1q21.2.
Variant type: Duplication.
Coding change: c.89dup on transcript NM_005267.5 (MANE Select); coding-DNA position 89, one base duplicated (T; older notation c.89dupT).
Protein change: p.Ile31fs; shifts the reading frame from isoleucine 31.
Molecular consequence: frameshift variant.
Genome position (GRCh38, 1-based): chr1:147,908,044, T duplicated; the last of 4 consecutive T bases (chr1:147,908,041-147,908,044); duplicating any one gives the same sequence. VCF-style (leftmost placement, unchanged base first): chr1-147908040-C-CT. GRCh37 (hg19) VCF-style: chr1-147380167-C-CT.
Other names: short protein forms I31fs.
Identifiers: ClinVar variation 217331 (VCV000217331.3), dbSNP rs864309684, ClinGen allele CA057766.